The following is an entry in ClinVar:

NM_139319.3(SLC17A8):c.336T>C (p.Asp112=)

Gene: SLC17A8 (solute carrier family 17 member 8; plus strand). Cytogenetic location: 12q23.1.
Variant type: single nucleotide variant.
Coding change: c.336T>C on transcript NM_139319.3 (MANE Select); coding-DNA position 336, T replaced by C.
Protein change: p.Asp112=; no amino-acid change (aspartic acid 112 retained).
Molecular consequence: synonymous variant.
Genome position (GRCh38, 1-based): chr12:100,380,935, T>C. VCF-style: chr12-100380935-T-C. GRCh37 (hg19) VCF-style: chr12-100774713-T-C.
Other names: c.336T>C, p.Asp112= (NM_001145288.2).
Identifiers: ClinVar variation 47883 (VCV000047883.45), dbSNP rs11568546, ClinGen allele CA142097.

ClinVar aggregate classification (germline): Benign/Likely benign. Review status: criteria provided, multiple submitters, no conflicts (2 of 4 stars). 9 submissions from 9 submitters: Benign (5); Likely benign (4). Last evaluated 2026-03-01.

Conditions:
Autosomal dominant nonsyndromic hearing loss 25. Identifiers: Orphanet 90635, MedGen C1854158, MONDO:0011568, OMIM 605583.

Allele frequency attached by ClinVar (database versions not stated): gnomAD 0.00265 and 0.00240; TOPMed 0.00266; gnomAD exomes 0.00275 and 0.00315; ESP Exome Variant Server 0.00300; ExAC 0.00301; 1000 Genomes Project 0.00160; 1000 Genomes Project 30x 0.00172.
gnomAD v4.1: 5,002 of 1,614,114 alleles (0.31%); highest among the groups gnomAD compares: Middle Eastern, 1.1%; 12 homozygotes.

Submissions (9):

CeGaT Center for Human Genetics Tuebingen
Classification: Likely benign. Last evaluated: 2026-03-01. Review status: criteria provided, single submitter. Criteria: CeGaT Center For Human Genetics Tuebingen Variant Classification Criteria Version 2. Collection method: clinical testing. Allele origin: germline. Affected: yes. Observed: 5 variant alleles.
Comment: SLC17A8: BP4, BP7

Labcorp Genetics (formerly Invitae), Labcorp
Classification: Benign. Last evaluated: 2025-12-30. Review status: criteria provided, single submitter. Criteria: Invitae Variant Classification Sherloc (09022015). Collection method: clinical testing. Allele origin: germline.

Blueprint Genetics
Classification: Likely benign. Last evaluated: 2024-11-27. Review status: criteria provided, single submitter. Criteria: ACMG Guidelines, 2015. Collection method: clinical testing. Allele origin: germline.

GeneDx
Classification: Benign. Last evaluated: 2021-06-14. Review status: criteria provided, single submitter. Criteria: GeneDx Variant Classification Process June 2021. Collection method: clinical testing. Allele origin: germline. Affected: yes.

Athena Diagnostics
Classification: Benign. Last evaluated: 2019-12-03. Review status: criteria provided, single submitter. Criteria: Athena Diagnostics Criteria. Collection method: clinical testing. Allele origin: unknown.

Illumina Laboratory Services, Illumina
Classification: Likely benign for Autosomal dominant nonsyndromic hearing loss 25. Last evaluated: 2018-01-12. Review status: criteria provided, single submitter. Criteria: ICSL Variant Classification Criteria 13 December 2019. Collection method: clinical testing. Allele origin: germline.
Comment: This variant was observed in the ICSL laboratory as part of a predisposition screen in an ostensibly healthy population. It had not been previously curated by ICSL or reported in the Human Gene Mutation Database (HGMD: prior to June 1st, 2018), and was therefore a candidate for classification through an automated scoring system. Utilizing variant allele frequency, disease prevalence and penetrance estimates, and inheritance mode, an automated score was calculated to assess if this variant is too frequent to cause the disease. Based on the score and internal cut-off values, a variant classified as likely benign is not then subjected to further curation. The score for this variant resulted in a classification of likely benign for this disease.

Laboratory for Molecular Medicine, Mass General Brigham Personalized Medicine
Classification: Benign. Last evaluated: 2012-05-07. Review status: criteria provided, single submitter. Criteria: LMM Criteria. Collection method: clinical testing. Allele origin: germline. Observed: 5 variant alleles.
Comment: "Asp112Asp in Exon 02 of SLC17A8: This variant is not expected to have clinical significance because it does not alter an amino acid residue, is not located wit hin the splice consensus sequence, and has been identified in 0.4% (28/7020) of European American chromosomes from a broad population by the NHLBI Exome Sequenc ing Project (dbSNP rs11568546)."

Breakthrough Genomics
Classification: Likely benign. Review status: criteria provided, single submitter. Criteria: ACMG Guidelines, 2015. Collection method: not provided. Allele origin: germline. Inheritance: Autosomal dominant inheritance. Affected: yes.

PreventionGenetics, part of Exact Sciences
Classification: Benign. Review status: criteria provided, single submitter. Criteria: ACMG Guidelines, 2015. Collection method: clinical testing. Allele origin: germline.